The following is an entry in ClinVar:

ClinVar aggregate classification (germline): Likely pathogenic (1 of 4 stars; one submission).

Conditions:
GNE myopathy (NM). Also called: INCLUSION BODY MYOPATHY, HEREDITARY, AUTOSOMAL RECESSIVE; INCLUSION BODY MYOPATHY 2, AUTOSOMAL RECESSIVE; NONAKA DISTAL MYOPATHY; MYOPATHY, DISTAL, WITH OR WITHOUT RIMMED VACUOLES; IBM 2; Inclusion body myopathy autosomal recessive. Identifiers: Orphanet 602, MedGen C1853926, MONDO:0011603, OMIM 605820.

Submission:

Myriad Genetics, Inc.
Classification: Likely pathogenic for GNE myopathy. Last evaluated: 2019-12-22. Review status: criteria provided, single submitter. Criteria: Myriad Women's Health Autosomal Recessive and X-Linked Classification Criteria (2019). Collection method: clinical testing. Allele origin: unknown.
Comment: NM_001128227.2(GNE):c.1387A>T(K463*) is expected to be pathogenic in the context of GNE myopathy. This variant is predicted to lead to an abnormal or absent protein product due to the creation of a premature termination codon in GNE, a gene where loss-of-function variants are known to be pathogenic. Please note: this variant was assessed in the context of healthy population screening.

NM_005476.7(GNE):c.1294A>T (p.Lys432Ter)

Gene: GNE (glucosamine (UDP-N-acetyl)-2-epimerase/N-acetylmannosamine kinase; minus strand). Cytogenetic location: 9p13.3.
Variant type: single nucleotide variant.
Coding change: c.1294A>T on transcript NM_005476.7 (MANE Select); coding-DNA position 1294, A replaced by T.
Protein change: p.Lys432Ter; replaces lysine 432 with a stop codon.
Molecular consequence: nonsense.
Genome position (GRCh38, 1-based): chr9:36,223,490, T>A on the plus strand (A>T on the coding strand, the complement: GNE is on the minus strand). VCF-style: chr9-36223490-T-A. GRCh37 (hg19) VCF-style: chr9-36223487-T-A.
Other names: c.1387A>T, p.Lys463Ter (NM_001128227.3); c.1294A>T, p.Lys432Ter (NM_001190383.3); c.964A>T, p.Lys322Ter (NM_001190384.3); c.1117A>T, p.Lys373Ter (NM_001190388.2, NM_001374798.1); c.1141A>T, p.Lys381Ter (NM_001374797.1); short protein forms K322*, K373*, K381*, K432*, K463*.
Identifiers: ClinVar variation 984337 (VCV000984337.3), dbSNP rs1828703342, ClinGen allele CA373428010.
Genomic context (GRCh38, chr9:36,223,490, plus strand): 5'-TCTGTAGGATTAAATTAATCCTCTCTTCATAGGTTTTAGGATTGAACTGAGTATACTTCT[T>A]AACTATTTCACCCTAAAAGAGAAAACAACAAGTTCCGTCTTACTGGTCTTAGCTAAGCAG-3'